The following is an entry in ClinVar:

NM_030624.3(KLHL15):c.1456T>G (p.Tyr486Asp)

Gene: KLHL15 (kelch like family member 15; minus strand). Cytogenetic location: Xp22.11.
Variant type: single nucleotide variant.
Coding change: c.1456T>G on transcript NM_030624.3 (MANE Select); coding-DNA position 1456, T replaced by G.
Protein change: p.Tyr486Asp; replaces tyrosine 486 with aspartic acid.
Molecular consequence: missense variant.
Genome position (GRCh38, 1-based): chrX:23,988,280, A>C on the plus strand (T>G on the coding strand, the complement: KLHL15 is on the minus strand). VCF-style: chrX-23988280-A-C. GRCh37 (hg19) VCF-style: chrX-24006397-A-C.
Other names: short protein forms Y486D.
Identifiers: ClinVar variation 4854154 (VCV004854154.1).
Genomic context (GRCh38, chrX:23,988,280, plus strand): 5'-ATTCGAAAGAGGCCCTCAAGATCACACAGACACCACCGAAGACATAAAGCTTGCCATTGT[A>C]AGAAATCATCTTGTGAAAGCATCTCGCGTAATTCATCTTGCTCTTATTCTCCCAACAGTT-3'
Protein context (NP_085127.2, residues 476-496): YARCFHKMIS[Tyr486Asp]NGKLYVFGGV

ClinVar aggregate classification (germline): Uncertain significance (1 of 4 stars; one submission).

Conditions:
Intellectual developmental disorder, X-linked 103. Also called: Intellectual disability, X-linked 103. Identifiers: MedGen C4310818, MONDO:0010508, OMIM 300982.

Submission:

3billion
Classification: Uncertain significance for Intellectual developmental disorder, X-linked 103. Last evaluated: 2025-10-06. Review status: criteria provided, single submitter. Criteria: ACMG Guidelines, 2015. Collection method: clinical testing. Allele origin: germline. Affected: yes.
Comment: The variant is not observed in the gnomAD v4.1.0 dataset. Predicted Consequence/Location: Missense variant In silico tool predictions suggest damaging effect of the variant on gene or gene product [REVEL: 0.68 (>=0.6, sensitivity 0.68 and specificity 0.92); 3Cnet: 0.91 (> 0.75, sensitivity 0.96 and precision 0.92)]. Therefore, this variant is classified as VUS according to the recommendation of ACMG/AMP guideline.